The following is an entry in ClinVar:

ClinVar aggregate classification (germline): Uncertain significance (0 of 4 stars; one submission).

Conditions:
POMC-related disorder. Also called: POMC-related disorders; POMC-related condition.

gnomAD v4.1: 3 of 1,606,004 alleles (0.00019%); highest among the groups gnomAD compares: Admixed American, 0.0034%; no homozygotes.

Submission:

PreventionGenetics, part of Exact Sciences
Classification: Uncertain significance for POMC-related condition. Last evaluated: 2024-03-15. Review status: no assertion criteria provided. Collection method: clinical testing. Allele origin: germline.
Comment: The POMC c.556C>T variant is predicted to result in the amino acid substitution p.Arg186Trp. This variant was observed in a cohort of individuals with obesity, and in vitro functional studies showed function similar to wild-type levels (Supplemental Data Set, Shah et al. 2023. PubMed ID: 36864747). This variant is reported in 0.0061% of alleles in individuals of Latino descent in gnomAD. At this time, the clinical significance of this variant is uncertain due to the absence of conclusive functional and genetic evidence.

NM_000939.4(POMC):c.556C>T (p.Arg186Trp)

Gene: POMC (proopiomelanocortin; minus strand). Cytogenetic location: 2p23.3.
Variant type: single nucleotide variant.
Coding change: c.556C>T on transcript NM_000939.4 (MANE Select); coding-DNA position 556, C replaced by T.
Protein change: p.Arg186Trp; replaces arginine 186 with tryptophan.
Molecular consequence: missense variant.
Genome position (GRCh38, 1-based): chr2:25,161,329, G>A on the plus strand (C>T on the coding strand, the complement: POMC is on the minus strand). VCF-style: chr2-25161329-G-A. GRCh37 (hg19) VCF-style: chr2-25384198-G-A.
Other names: c.556C>T, p.Arg186Trp (NM_001035256.3, NM_001319204.2, NM_001319205.2); short protein forms R186W.
Identifiers: ClinVar variation 3348947 (VCV003348947.1).